The following is an entry in ClinVar:

ClinVar aggregate classification (germline): other (0 of 4 stars; one submission).

Conditions:
Familial colorectal cancer. Identifiers: MedGen CN280943, MONDO:0023113. Disease mechanism: loss of function.

Submission:

Systems Biology Platform Zhejiang California International NanoSystems Institute
Classification: other for Familial colorectal cancer. Review status: no assertion criteria provided. Collection method: not provided. Allele origin: unknown.
ClinVar note: Converted during submission from cancer to other.

NM_000038.6(APC):c.1312+352C>T

Gene: APC (APC regulator of WNT signaling pathway; plus strand). Cytogenetic location: 5q22.2.
Variant type: single nucleotide variant.
Coding change: c.1312+352C>T on transcript NM_000038.6 (MANE Select); 352 bases into the intron after coding-DNA position 1312, C replaced by T.
Molecular consequence: intron variant.
Genome position (GRCh38, 1-based): chr5:112,819,696, C>T. VCF-style: chr5-112819696-C-T. GRCh37 (hg19) VCF-style: chr5-112155393-C-T.
Other names: c.1312+352C>T (NM_001354895.2, NM_001127510.3, NM_001354896.2); c.1342+352C>T (NM_001354897.2); c.1039+352C>T (NM_001354902.2); c.1258+352C>T (NM_001127511.3); c.1237+352C>T (NM_001354898.2); c.934+352C>T (NM_001354904.2); c.463+352C>T (NM_001354906.2); c.1009+352C>T (NM_001354903.2); and 3 more.
Identifiers: ClinVar variation 82568 (VCV000082568.2), dbSNP rs79764746, ClinGen allele CA004198.